The following is an entry in ClinVar:

ClinVar aggregate classification (germline): Uncertain significance (1 of 4 stars; one submission).

Conditions:
Cohen syndrome (COH1). Also called: Cutis verticis gyrata, retinitis pigmentosa, and sensorineural deafness; PEPPER SYNDROME. Identifiers: Orphanet 193, MedGen C0265223, MONDO:0008999, OMIM 216550.

Submission:

Labcorp Genetics (formerly Invitae), Labcorp
Classification: Uncertain significance for Cohen syndrome. Last evaluated: 2020-02-11. Review status: criteria provided, single submitter. Criteria: Invitae Variant Classification Sherloc (09022015). Collection method: clinical testing. Allele origin: germline.
Comment: In summary, the available evidence is currently insufficient to determine the role of this variant in disease. Therefore, it has been classified as a Variant of Uncertain Significance. This sequence change replaces glycine with alanine at codon 769 of the VPS13B protein (p.Gly769Ala). The glycine residue is weakly conserved and there is a small physicochemical difference between glycine and alanine. This variant is not present in population databases (ExAC no frequency). This variant has not been reported in the literature in individuals with VPS13B-related conditions. Algorithms developed to predict the effect of missense changes on protein structure and function are either unavailable or do not agree on the potential impact of this missense change (SIFT: "Tolerated"; PolyPhen-2: "Probably Damaging"; Align-GVGD: "Class C0").

NM_152564.5(VPS13B):c.2306G>C (p.Gly769Ala)

Gene: VPS13B (vacuolar protein sorting 13 homolog B; plus strand). Cytogenetic location: 8q22.2.
Variant type: single nucleotide variant.
Coding change: c.2306G>C on transcript NM_152564.5 (MANE Select); coding-DNA position 2306, G replaced by C.
Protein change: p.Gly769Ala; replaces glycine 769 with alanine.
Molecular consequence: missense variant.
Genome position (GRCh38, 1-based): chr8:99,170,136, G>C. VCF-style: chr8-99170136-G-C. GRCh37 (hg19) VCF-style: chr8-100182364-G-C.
Other names: c.2306G>C, p.Gly769Ala (NM_015243.3, NM_017890.5); short protein forms G769A.
Identifiers: ClinVar variation 968849 (VCV000968849.7), dbSNP rs1812242519, ClinGen allele CA371865493.